The following is an entry in ClinVar:

ClinVar aggregate classification (germline): Benign. Review status: criteria provided, multiple submitters, no conflicts (2 of 4 stars). 5 submissions from 5 submitters: Benign (5). Last evaluated 2026-02-02.

Conditions:
Congenital stationary night blindness 1E. Also called: Night blindness, congenital stationary (complete), 1E, autosomal recessive. Identifiers: Orphanet 215, MedGen C3281215, MONDO:0013807, OMIM 614565.

Allele frequency attached by ClinVar (database versions not stated): gnomAD exomes 0.00555 and 0.01374; ExAC 0.01572; gnomAD 0.05102 and 0.05465; ESP Exome Variant Server 0.05151; 1000 Genomes Project 0.05551; TOPMed 0.05782; 1000 Genomes Project 30x 0.06137.
gnomAD v4.1: 16,291 of 1,614,106 alleles (1%); highest among the groups gnomAD compares: African/African-American, 17%; 1,192 homozygotes.

Submissions (5):

Labcorp Genetics (formerly Invitae), Labcorp
Classification: Benign. Last evaluated: 2026-02-02. Review status: criteria provided, single submitter. Criteria: Invitae Variant Classification Sherloc (09022015). Collection method: clinical testing. Allele origin: germline.

GeneDx
Classification: Benign. Last evaluated: 2021-05-04. Review status: criteria provided, single submitter. Criteria: GeneDx Variant Classification Process June 2021. Collection method: clinical testing. Allele origin: germline. Affected: yes.

Illumina Laboratory Services, Illumina
Classification: Benign for Congenital stationary night blindness 1E. Last evaluated: 2018-01-12. Review status: criteria provided, single submitter. Criteria: ICSL Variant Classification Criteria 13 December 2019. Collection method: clinical testing. Allele origin: germline.
Comment: This variant was observed in the ICSL laboratory as part of a predisposition screen in an ostensibly healthy population. It had not been previously curated by ICSL or reported in the Human Gene Mutation Database (HGMD: prior to June 1st, 2018), and was therefore a candidate for classification through an automated scoring system. Utilizing variant allele frequency, disease prevalence and penetrance estimates, and inheritance mode, an automated score was calculated to assess if this variant is too frequent to cause the disease. Based on the score and internal cut-off values, a variant classified as benign is not then subjected to further curation. The score for this variant resulted in a classification of benign for this disease.

Eurofins Ntd Llc (ga)
Classification: Benign. Last evaluated: 2015-02-20. Review status: criteria provided, single submitter. Criteria: EGL Classification Definitions 2015. Collection method: clinical testing. Allele origin: germline. Observed: 1 variant allele, 1 heterozygote.

Breakthrough Genomics
Classification: Benign. Review status: criteria provided, single submitter. Criteria: ACMG Guidelines, 2015. Collection method: not provided. Allele origin: germline. Inheritance: Autosomal recessive inheritance. Affected: yes.

NM_001004334.4(GPR179):c.5605C>G (p.Gln1869Glu)

Gene: GPR179 (G protein-coupled receptor 179; minus strand). Cytogenetic location: 17q12.
Variant type: single nucleotide variant.
Coding change: c.5605C>G on transcript NM_001004334.4 (MANE Select); coding-DNA position 5605, C replaced by G.
Protein change: p.Gln1869Glu; replaces glutamine 1869 with glutamic acid.
Molecular consequence: missense variant.
Genome position (GRCh38, 1-based): chr17:38,327,964, G>C on the plus strand (C>G on the coding strand, the complement: GPR179 is on the minus strand). VCF-style: chr17-38327964-G-C. GRCh37 (hg19) VCF-style: chr17-36483847-G-C.
Other names: short protein forms Q1869E.
Identifiers: ClinVar variation 193823 (VCV000193823.20), dbSNP rs4399578, ClinGen allele CA200795.